The following is an entry in ClinVar:

NM_000059.4(BRCA2):c.8153T>G (p.Ile2718Ser)

Gene: BRCA2 (BRCA2 DNA repair associated; plus strand). Cytogenetic location: 13q13.1.
Variant type: single nucleotide variant.
Coding change: c.8153T>G on transcript NM_000059.4 (MANE Select); coding-DNA position 8153, T replaced by G.
Protein change: p.Ile2718Ser; replaces isoleucine 2718 with serine.
Molecular consequence: missense variant. On other transcripts: non-coding transcript variant (1).
Genome position (GRCh38, 1-based): chr13:32,363,355, T>G. VCF-style: chr13-32363355-T-G. GRCh37 (hg19) VCF-style: chr13-32937492-T-G.
Other names: c.8057T>G, p.Ile2686Ser (NM_001406719.1); c.8153T>G, p.Ile2718Ser (NM_001406720.1, NM_001432077.1); c.3221T>G, p.Ile1074Ser (NM_001406721.1); c.1736T>G, p.Ile579Ser (NM_001406722.1); short protein forms I1074S, I2686S, I2718S, I579S.
Identifiers: ClinVar variation 3344514 (VCV003344514.1).

ClinVar aggregate classification (germline): Uncertain significance (0 of 4 stars; one submission).

Conditions:
BRCA2-related disorder. Also called: BRCA2-related condition; BRCA2-related disorders. Identifiers: MedGen CN239275.

Submission:

PreventionGenetics, part of Exact Sciences
Classification: Uncertain significance for BRCA2-related condition. Last evaluated: 2024-06-04. Review status: no assertion criteria provided. Collection method: clinical testing. Allele origin: germline.
Comment: The BRCA2 c.8153T>G variant is predicted to result in the amino acid substitution p.Ile2718Ser. To our knowledge, this variant has not been reported in the literature or in a large population database, indicating this variant is rare. At this time, the clinical significance of this variant is uncertain due to the absence of conclusive functional and genetic evidence.